The following is an entry in ClinVar:

NM_198576.4(AGRN):c.4250G>A (p.Gly1417Asp)

Gene: AGRN (agrin; plus strand). Cytogenetic location: 1p36.33.
Variant type: single nucleotide variant.
Coding change: c.4250G>A on transcript NM_198576.4 (MANE Select); coding-DNA position 4250, G replaced by A.
Protein change: p.Gly1417Asp; replaces glycine 1417 with aspartic acid.
Molecular consequence: missense variant.
Genome position (GRCh38, 1-based): chr1:1,049,011, G>A. VCF-style: chr1-1049011-G-A. GRCh37 (hg19) VCF-style: chr1-984391-G-A.
Other names: c.4250G>A, p.Gly1417Asp (NM_001305275.2); c.3935G>A, p.Gly1312Asp (NM_001364727.2); short protein forms G1312D, G1417D.
Identifiers: ClinVar variation 2105795 (VCV002105795.4), dbSNP rs2522763449, ClinGen allele CA337776948.
Genomic context (GRCh38, chr1:1,049,011, plus strand): 5'-CACTGGAATTCCGGGCGCTGGAGCCTCAGGGGCTGCTGCTGTACAATGGCAACGCCCGGG[G>A]CAAGGACTTCCTGGCATTGGCGCTGCTAGATGGCCGCGTGCAGCTCAGGTGGGCGGGGAG-3'
Protein context (NP_940978.2, residues 1407-1427): GLLLYNGNAR[Gly1417Asp]KDFLALALLD

ClinVar aggregate classification (germline): Uncertain significance (1 of 4 stars; one submission).

Conditions:
Congenital myasthenic syndrome 8. Also called: Myasthenic syndrome, congenital, 8, with pre- and postsynaptic defects; MYASTHENIC SYNDROME, CONGENITAL, DUE TO AGRIN DEFICIENCY. Identifiers: Orphanet 590, MedGen C3808739, MONDO:0014052, OMIM 615120.

Submission:

Labcorp Genetics (formerly Invitae), Labcorp
Classification: Uncertain significance for Congenital myasthenic syndrome 8. Last evaluated: 2022-04-12. Review status: criteria provided, single submitter. Criteria: Invitae Variant Classification Sherloc (09022015). Collection method: clinical testing. Allele origin: germline.
Comment: In summary, the available evidence is currently insufficient to determine the role of this variant in disease. Therefore, it has been classified as a Variant of Uncertain Significance. Algorithms developed to predict the effect of missense changes on protein structure and function are either unavailable or do not agree on the potential impact of this missense change (SIFT: "Deleterious"; PolyPhen-2: "Probably Damaging"; Align-GVGD: "Class C0"). This variant has not been reported in the literature in individuals affected with AGRN-related conditions. This variant is not present in population databases (gnomAD no frequency). This sequence change replaces glycine, which is neutral and non-polar, with aspartic acid, which is acidic and polar, at codon 1417 of the AGRN protein (p.Gly1417Asp).